The following is an entry in ClinVar:

NM_178452.6(DNAAF1):c.532C>G (p.Leu178Val)

Gene: DNAAF1 (dynein axonemal assembly factor 1; plus strand). Cytogenetic location: 16q24.1.
Variant type: single nucleotide variant.
Coding change: c.532C>G on transcript NM_178452.6 (MANE Select); coding-DNA position 532, C replaced by G.
Protein change: p.Leu178Val; replaces leucine 178 with valine.
Molecular consequence: missense variant.
Genome position (GRCh38, 1-based): chr16:84,154,756, C>G. VCF-style: chr16-84154756-C-G. GRCh37 (hg19) VCF-style: chr16-84188361-C-G.
Other names: short protein forms L178V.
Identifiers: ClinVar variation 525366 (VCV000525366.7), dbSNP rs1325784286, ClinGen allele CA396943136.

ClinVar aggregate classification (germline): Uncertain significance. Review status: criteria provided, multiple submitters, no conflicts (2 of 4 stars). 2 submissions from 2 submitters: Uncertain significance (2). Last evaluated 2025-08-05.

Conditions:
Primary ciliary dyskinesia. Also called: Ciliary dyskinesia. Identifiers: Orphanet 244, MedGen C0008780, MONDO:0016575, HP:0012265.

Allele frequency attached by ClinVar (database versions not stated): gnomAD 0.00001; gnomAD exomes 0.00001 and 0.00002; TOPMed 0.00001.
gnomAD v4.1: 10 of 1,614,032 alleles (0.00062%); highest among the groups gnomAD compares: Admixed American, 0.0067%; no homozygotes.

Submissions (2):

GeneDx
Classification: Uncertain significance. Last evaluated: 2025-08-05. Review status: criteria provided, single submitter. Criteria: GeneDx Variant Classification Process June 2021. Collection method: clinical testing. Allele origin: germline. Affected: yes.
Comment: In silico analysis supports that this missense variant has a deleterious effect on protein structure/function; Has not been previously published as pathogenic or benign to our knowledge

Labcorp Genetics (formerly Invitae), Labcorp
Classification: Uncertain significance for Primary ciliary dyskinesia. Last evaluated: 2021-09-01. Review status: criteria provided, single submitter. Criteria: Invitae Variant Classification Sherloc (09022015). Collection method: clinical testing. Allele origin: germline.
Comment: This sequence change replaces leucine with valine at codon 178 of the DNAAF1 protein (p.Leu178Val). The leucine residue is highly conserved and there is a small physicochemical difference between leucine and valine. This variant is not present in population databases (ExAC no frequency). This variant has not been reported in the literature in individuals affected with DNAAF1-related conditions. Algorithms developed to predict the effect of missense changes on protein structure and function (SIFT, PolyPhen-2, Align-GVGD) all suggest that this variant is likely to be disruptive. In summary, the available evidence is currently insufficient to determine the role of this variant in disease. Therefore, it has been classified as a Variant of Uncertain Significance.